The following is an entry in ClinVar:

NM_003626.5(PPFIA1):c.1849C>T (p.Leu617=)

Gene: PPFIA1 (PTPRF interacting protein alpha 1; plus strand). Cytogenetic location: 11q13.3.
Variant type: single nucleotide variant.
Coding change: c.1849C>T on transcript NM_003626.5 (MANE Select); coding-DNA position 1849, C replaced by T.
Protein change: p.Leu617=; no amino-acid change (leucine 617 retained).
Molecular consequence: synonymous variant. On other transcripts: non-coding transcript variant (1).
Genome position (GRCh38, 1-based): chr11:70,343,810, C>T. VCF-style: chr11-70343810-C-T. GRCh37 (hg19) VCF-style: chr11-70189916-C-T.
Other names: c.1924C>T, p.Leu642= (NM_001378006.1); c.1849C>T, p.Leu617= (NM_177423.3).
Identifiers: ClinVar variation 3057155 (VCV003057155.2), dbSNP rs17160805, ClinGen allele CA6159138.
Genomic context (GRCh38, chr11:70,343,810, plus strand): 5'-GATGCTGACGTGTCTGATGGTGAAGATGACAGGGACACTCTCCTCAGCTCAGTTGACCTG[C>T]TATCGCCCAGCGGGCAGGCCGACGCGCACACACTAGCCATGATGCTTCAGGAGCAGCTGG-3'
Protein context (NP_003617.1, residues 607-627): RDTLLSSVDL[Leu617=]SPSGQADAHT

ClinVar aggregate classification (germline): Benign (0 of 4 stars; one submission).

Conditions:
PPFIA1-related disorder. Also called: PPFIA1-related condition.

Allele frequency attached by ClinVar (database versions not stated): 1000 Genomes Project 0.01038; 1000 Genomes Project 30x 0.01062; ExAC 0.02166; TOPMed 0.02322; gnomAD 0.02345; ESP Exome Variant Server 0.02864; gnomAD exomes 0.03202.
gnomAD v4.1: 50,316 of 1,614,162 alleles (3.1%); highest among the groups gnomAD compares: Non-Finnish European, 3.7%; 973 homozygotes.

Submission:

PreventionGenetics, part of Exact Sciences
Classification: Benign for PPFIA1-related condition. Last evaluated: 2019-04-04. Review status: no assertion criteria provided. Collection method: clinical testing. Allele origin: germline.
Comment: This variant is classified as benign based on ACMG/AMP sequence variant interpretation guidelines (Richards et al. 2015 PMID: 25741868, with internal and published modifications).